The following is an entry in ClinVar:

NM_001042492.3(NF1):c.8001C>T (p.Thr2667=)

Gene: NF1 (neurofibromin 1; plus strand). Cytogenetic location: 17q11.2.
Variant type: single nucleotide variant.
Coding change: c.8001C>T on transcript NM_001042492.3 (MANE Select); coding-DNA position 8001, C replaced by T.
Protein change: p.Thr2667=; no amino-acid change (threonine 2667 retained).
Molecular consequence: synonymous variant.
Genome position (GRCh38, 1-based): chr17:31,358,510, C>T. VCF-style: chr17-31358510-C-T. GRCh37 (hg19) VCF-style: chr17-29685528-C-T.
Other names: c.7938C>T, p.Thr2646= (NM_000267.4).
Identifiers: ClinVar variation 412990 (VCV000412990.18), dbSNP rs876658475, ClinGen allele CA16615296.

ClinVar aggregate classification (germline): Benign/Likely benign. Review status: criteria provided, multiple submitters, no conflicts (2 of 4 stars). 6 submissions from 6 submitters: Benign (1); Likely benign (5). Last evaluated 2026-05-22.

Conditions:
Hereditary cancer-predisposing syndrome. Also called: Hereditary Cancer Syndrome; Neoplastic Syndromes, Hereditary; Hereditary neoplastic syndrome; Tumor predisposition. Identifiers: Orphanet 140162, MedGen C0027672, MeSH D009386, MONDO:0015356.
Cardiovascular phenotype. Identifiers: MedGen CN230736.
Neurofibromatosis, type 1 (NF1). Also called: VON RECKLINGHAUSEN DISEASE; NEUROFIBROMATOSIS, TYPE I, SOMATIC; Neurofibromatosis, type I; Peripheral type neurofibromatosis. Identifiers: Orphanet 636, MedGen C0027831, MONDO:0018975, OMIM 162200. Disease mechanism: loss of function.

gnomAD v4.1: 1 of 1,613,720 alleles (0.000062%); highest among the groups gnomAD compares: Non-Finnish European, 0.000085%; no homozygotes.

Submissions (6):

Myriad Genetics, Inc.
Classification: Benign for Neurofibromatosis, type 1. Last evaluated: 2026-05-22. Review status: criteria provided, single submitter. Criteria: Myriad Autosomal Dominant, Autosomal Recessive and X-Linked Classification Criteria (2023). Collection method: clinical testing. Allele origin: unknown.
Comment: This variant is considered benign. This variant is a silent/synonymous amino acid change and it is not expected to impact splicing.

Labcorp Genetics (formerly Invitae), Labcorp
Classification: Likely benign for Neurofibromatosis, type 1. Last evaluated: 2025-07-02. Review status: criteria provided, single submitter. Criteria: Invitae Variant Classification Sherloc (09022015). Collection method: clinical testing. Allele origin: germline.

ARUP Laboratories, Molecular Genetics and Genomics, ARUP Laboratories
Classification: Likely benign. Last evaluated: 2025-05-28. Review status: criteria provided, single submitter. Criteria: ARUP Molecular Germline Variant Investigation Process 2024. Collection method: clinical testing. Allele origin: germline.

Genome-Nilou Lab
Classification: Likely benign for Neurofibromatosis, type 1. Last evaluated: 2022-03-15. Review status: criteria provided, single submitter. Criteria: ACMG Guidelines, 2015. Collection method: clinical testing. Allele origin: germline. Affected: no.

Sema4
Classification: Likely benign for Hereditary cancer-predisposing syndrome. Last evaluated: 2021-08-11. Review status: criteria provided, single submitter. Criteria: Sema4 Curation Guidelines. Collection method: curation. Allele origin: germline.

Ambry Genetics
Classification: Likely benign for Cardiovascular phenotype; Hereditary cancer-predisposing syndrome. Last evaluated: 2017-02-06. Review status: criteria provided, single submitter. Criteria: Ambry Variant Classification Scheme 2023. Collection method: clinical testing. Allele origin: germline.